The following is an entry in ClinVar:

NM_003240.5(LEFTY2):c.*229C>T

Gene: LEFTY2 (left-right determination factor 2; minus strand). Cytogenetic location: 1q42.12.
Variant type: single nucleotide variant.
Coding change: c.*229C>T on transcript NM_003240.5 (MANE Select); 229 bases downstream of the stop codon, C replaced by T.
Molecular consequence: 3 prime UTR variant.
Genome position (GRCh38, 1-based): chr1:225,937,212, G>A on the plus strand (C>T on the coding strand, the complement: LEFTY2 is on the minus strand). VCF-style: chr1-225937212-G-A. GRCh37 (hg19) VCF-style: chr1-226124912-G-A.
Other names: c.*229C>T (NM_001172425.3).
Identifiers: ClinVar variation 295966 (VCV000295966.6), dbSNP rs6662343, ClinGen allele CA10609364.

ClinVar aggregate classification (germline): Likely benign. Review status: criteria provided, multiple submitters, no conflicts (2 of 4 stars). 2 submissions from 2 submitters: Likely benign (2). Last evaluated 2017-04-28.

Conditions:
Left-right axis malformations. Identifiers: MedGen C1866091.

Allele frequency attached by ClinVar (database versions not stated): gnomAD exomes 0.00237; gnomAD 0.01958 and 0.02097; TOPMed 0.02242; 1000 Genomes Project 0.02376; 1000 Genomes Project 30x 0.02467.
gnomAD v4.1: 4,173 of 638,486 alleles (0.65%); highest among the groups gnomAD compares: African/African-American, 6.7%; 135 homozygotes.

Submissions (2):

Illumina Laboratory Services, Illumina
Classification: Likely benign for Left-right axis malformations. Last evaluated: 2017-04-28. Review status: criteria provided, single submitter. Criteria: ICSL Variant Classification Criteria 13 December 2019. Collection method: clinical testing. Allele origin: germline.
Comment: This variant was observed as part of a predisposition screen in an ostensibly healthy population. A literature search was performed for the gene, cDNA change, and amino acid change (where applicable). No publications were found based on this search. Allele frequency data from public databases allowed determination this variant is unlikely to cause disease. Therefore, this variant is classified as likely benign.

Breakthrough Genomics
Classification: Likely benign. Review status: criteria provided, single submitter. Criteria: ACMG Guidelines, 2015. Collection method: not provided. Allele origin: germline. Inheritance: Unknown mechanism. Affected: yes.